The following is an entry in ClinVar:

ClinVar aggregate classification (germline): Benign (1 of 4 stars; one submission).

Conditions:
Agenesis of the corpus callosum with peripheral neuropathy (ACCPN). Also called: CHARLEVOIX DISEASE; POLYNEUROPATHY, SENSORIMOTOR, WITH OR WITHOUT AGENESIS OF THE CORPUS CALLOSUM; HMSN/ACC; Hereditary Motor and Sensory Neuropathy with Agenesis of the Corpus Callosum. Identifiers: Orphanet 1496, MedGen C0795950, MONDO:0000902, OMIM 218000. Disease mechanism: loss of function.

Allele frequency attached by ClinVar (database versions not stated): gnomAD 0.11152 and 0.11622; TOPMed 0.12225; 1000 Genomes Project 30x 0.17536; 1000 Genomes Project 0.17712.

Submission:

Illumina Laboratory Services, Illumina
Classification: Benign for Agenesis of the corpus callosum with peripheral neuropathy. Last evaluated: 2018-01-12. Review status: criteria provided, single submitter. Criteria: ICSL Variant Classification Criteria 13 December 2019. Collection method: clinical testing. Allele origin: germline.
Comment: This variant was observed in the ICSL laboratory as part of a predisposition screen in an ostensibly healthy population. It had not been previously curated by ICSL or reported in the Human Gene Mutation Database (HGMD: prior to June 1st, 2018), and was therefore a candidate for classification through an automated scoring system. Utilizing variant allele frequency, disease prevalence and penetrance estimates, and inheritance mode, an automated score was calculated to assess if this variant is too frequent to cause the disease. Based on the score and internal cut-off values, a variant classified as benign is not then subjected to further curation. The score for this variant resulted in a classification of benign for this disease.

NM_001365088.1(SLC12A6):c.*2804C>T

Gene: SLC12A6 (solute carrier family 12 member 6; minus strand). Cytogenetic location: 15q14.
Variant type: single nucleotide variant.
Coding change: c.*2804C>T on transcript NM_001365088.1 (MANE Select); 2804 bases downstream of the stop codon, C replaced by T.
Molecular consequence: 3 prime UTR variant.
Genome position (GRCh38, 1-based): chr15:34,231,077, G>A on the plus strand (C>T on the coding strand, the complement: SLC12A6 is on the minus strand). VCF-style: chr15-34231077-G-A. GRCh37 (hg19) VCF-style: chr15-34523278-G-A.
Other names: c.*2804C>T (NM_001042494.2, NM_001042495.2, NM_001042496.2 and 3 more transcripts).
Identifiers: ClinVar variation 315561 (VCV000315561.5), dbSNP rs59091709, ClinGen allele CA10641572.